The following is an entry in ClinVar:

ClinVar aggregate classification (germline): Conflicting classifications of pathogenicity. Review status: criteria provided, conflicting classifications (1 of 4 stars). 4 submissions from 4 submitters: Uncertain significance (1); Likely benign (3). Last evaluated 2026-02-23.

Conditions:
Inborn genetic diseases. Identifiers: MedGen C0950123, MeSH D030342.
Neurodegeneration with brain iron accumulation 5 (NBIA5). Also called: Beta-propeller protein-associated neurodegeneration; STATIC ENCEPHALOPATHY OF CHILDHOOD WITH NEURODEGENERATION IN ADULTHOOD. Identifiers: Orphanet 329284, MedGen C3550973, MONDO:0010476, OMIM 300894.

Allele frequency attached by ClinVar (database versions not stated): gnomAD exomes 0.00001 and 0.00004; gnomAD 0.00002 and 0.00003; ExAC 0.00006; 1000 Genomes Project 0.00026; 1000 Genomes Project 30x 0.00042.
gnomAD v4.1: 13 of 1,204,078 alleles (0.0011%); highest among the groups gnomAD compares: Admixed American, 0.018%; no homozygotes.

Submissions (4):

Ambry Genetics
Classification: Likely benign for Inborn genetic diseases. Last evaluated: 2026-02-23. Review status: criteria provided, single submitter. Criteria: Ambry Variant Classification Scheme 2023. Collection method: clinical testing. Allele origin: germline.

Labcorp Genetics (formerly Invitae), Labcorp
Classification: Likely benign for Neurodegeneration with brain iron accumulation 5. Last evaluated: 2026-01-26. Review status: criteria provided, single submitter. Criteria: Invitae Variant Classification Sherloc (09022015). Collection method: clinical testing. Allele origin: germline.

Athena Diagnostics
Classification: Likely benign. Last evaluated: 2024-09-25. Review status: criteria provided, single submitter. Criteria: Athena Diagnostics Criteria. Collection method: clinical testing. Allele origin: unknown.

GeneDx
Classification: Uncertain significance. Last evaluated: 2024-07-03. Review status: criteria provided, single submitter. Criteria: GeneDx Variant Classification Process June 2021. Collection method: clinical testing. Allele origin: germline. Affected: yes.
Comment: Has not been previously published as pathogenic or benign to our knowledge; In silico analysis supports that this missense variant has a deleterious effect on protein structure/function

NM_001029896.2(WDR45):c.524C>T (p.Ala175Val)

Gene: WDR45 (WD repeat domain 45; minus strand). Cytogenetic location: Xp11.23.
Variant type: single nucleotide variant.
Coding change: c.524C>T on transcript NM_001029896.2 (MANE Select); coding-DNA position 524, C replaced by T.
Protein change: p.Ala175Val; replaces alanine 175 with valine.
Molecular consequence: missense variant.
Genome position (GRCh38, 1-based): chrX:49,075,746, G>A on the plus strand (C>T on the coding strand, the complement: WDR45 is on the minus strand). VCF-style: chrX-49075746-G-A. GRCh37 (hg19) VCF-style: chrX-48933405-G-A.
Other names: c.527C>T, p.Ala176Val (NM_007075.4); short protein forms A175V, A176V.
Identifiers: ClinVar variation 1096700 (VCV001096700.18), dbSNP rs192312429, ClinGen allele CA10408496.